The following is an entry in ClinVar:

NM_001270974.2(HYDIN):c.2974G>A (p.Ala992Thr)

Gene: HYDIN (HYDIN axonemal central pair apparatus protein; minus strand). Cytogenetic location: 16q22.2.
Variant type: single nucleotide variant.
Coding change: c.2974G>A on transcript NM_001270974.2 (MANE Select); coding-DNA position 2974, G replaced by A.
Protein change: p.Ala992Thr; replaces alanine 992 with threonine.
Molecular consequence: missense variant.
Genome position (GRCh38, 1-based): chr16:71,027,670, C>T on the plus strand (G>A on the coding strand, the complement: HYDIN is on the minus strand). VCF-style: chr16-71027670-C-T. GRCh37 (hg19) VCF-style: chr16-71061573-C-T.
Other names: c.2974G>A, p.Ala992Thr (NM_017558.5); c.2974G>A (NM_001270974.1); short protein forms A992T.
Identifiers: ClinVar variation 1300007 (VCV001300007.27), dbSNP rs370020334, ClinGen allele CA8150981.

ClinVar aggregate classification (germline): Conflicting classifications of pathogenicity. Review status: criteria provided, conflicting classifications (1 of 4 stars). 4 submissions from 4 submitters: Uncertain significance (1); Likely benign (1). 2 of the submissions do not count toward it. Last evaluated 2026-09-01.

Conditions:
Inborn genetic diseases. Identifiers: MedGen C0950123, MeSH D030342.

Allele frequency attached by ClinVar (database versions not stated): gnomAD 0.00009 and 0.00024; TOPMed 0.00015; ESP Exome Variant Server 0.00016; gnomAD exomes 0.00070; ExAC 0.00126; 1000 Genomes Project 0.00140; 1000 Genomes Project 30x 0.00141.

Submissions (4):

CeGaT Center for Human Genetics Tuebingen
Classification: Likely benign. Last evaluated: 2026-09-01. Review status: criteria provided, single submitter. Criteria: CeGaT Center For Human Genetics Tuebingen Variant Classification Criteria Version 2. Collection method: clinical testing. Allele origin: germline. Affected: yes. Observed: 4 variant alleles.
Comment: HYDIN: BP4, BS2

Ambry Genetics
Classification: Uncertain significance for Inborn genetic diseases. Last evaluated: 2025-04-08. Review status: criteria provided, single submitter. Criteria: Ambry Variant Classification Scheme 2023. Collection method: clinical testing. Allele origin: germline.

Clinical Genetics DNA and cytogenetics Diagnostics Lab, Erasmus MC, Erasmus Medical Center
Classification: Likely benign. Review status: no assertion criteria provided. Collection method: clinical testing. Allele origin: germline. Affected: yes. Study: VKGL Data-share Consensus. Not counted in ClinVar's aggregate classification.

Laboratory of Diagnostic Genome Analysis, Leiden University Medical Center (LUMC)
Classification: Likely benign. Review status: no assertion criteria provided. Collection method: clinical testing. Allele origin: germline. Affected: yes. Study: VKGL Data-share Consensus. Not counted in ClinVar's aggregate classification.